The following is an entry in ClinVar:

ClinVar aggregate classification (germline): Pathogenic (1 of 4 stars; one submission).

Conditions:
Multiple congenital exostosis (EXT). Also called: Multiple osteochondromas; Hereditary multiple osteochondromas; Multiple exostoses; MULTIPLE CARTILAGINOUS EXOSTOSES; Hereditary multiple exostoses; Hereditary multiple exostosis. Identifiers: Orphanet 321, MedGen C0015306, MONDO:0005508, HP:0002762.

Submission:

Labcorp Genetics (formerly Invitae), Labcorp
Classification: Pathogenic for Multiple congenital exostosis. Last evaluated: 2021-05-10. Review status: criteria provided, single submitter. Criteria: Invitae Variant Classification Sherloc (09022015). Collection method: clinical testing. Allele origin: germline.
Comment: For these reasons, this variant has been classified as Pathogenic. This variant has been observed in individual(s) with multiple osteochondromas (PMID: 17041877). This variant is not present in population databases (ExAC no frequency). This sequence change creates a premature translational stop signal (p.Glu125Glyfs*64) in the EXT1 gene. It is expected to result in an absent or disrupted protein product. Loss-of-function variants in EXT1 are known to be pathogenic (PMID: 10679937, 11391482, 19810120).

Literature cited by the submitters: PubMed 17041877; PubMed 10679937; PubMed 11391482; PubMed 19810120.

NM_000127.3(EXT1):c.373dup (p.Glu125fs)

Gene: EXT1 (exostosin glycosyltransferase 1; minus strand). Cytogenetic location: 8q24.11.
Variant type: Duplication.
Coding change: c.373dup on transcript NM_000127.3 (MANE Select); coding-DNA position 373, one base duplicated (G; older notation c.373dupG).
Protein change: p.Glu125fs; shifts the reading frame from glutamic acid 125.
Molecular consequence: frameshift variant.
Genome position (GRCh38, 1-based): chr8:118,110,674, C duplicated on the plus strand (G on the coding strand, the reverse complement: EXT1 is on the minus strand); the first of 4 consecutive C bases (chr8:118,110,674-118,110,677); duplicating any one gives the same sequence. VCF-style (leftmost placement, unchanged base first): chr8-118110673-T-TC. GRCh37 (hg19) VCF-style: chr8-119122912-T-TC.
Other names: short protein forms E125fs.
Identifiers: ClinVar variation 1459801 (VCV001459801.8), dbSNP rs2130043834, ClinGen allele CA2573142833.